The following is an entry in ClinVar:

NM_001378477.3(NYX):c.826G>A (p.Glu276Lys)

Gene: NYX (nyctalopin; plus strand). Cytogenetic location: Xp11.4.
Variant type: single nucleotide variant.
Coding change: c.826G>A on transcript NM_001378477.3 (MANE Select); coding-DNA position 826, G replaced by A.
Protein change: p.Glu276Lys; replaces glutamic acid 276 with lysine.
Molecular consequence: missense variant.
Genome position (GRCh38, 1-based): chrX:41,474,294, G>A. VCF-style: chrX-41474294-G-A. GRCh37 (hg19) VCF-style: chrX-41333547-G-A.
Other names: c.826G>A, p.Glu276Lys (NM_022567.3); short protein forms E276K.
Identifiers: ClinVar variation 4808343 (VCV004808343.1).
Genomic context (GRCh38, chrX:41,474,294, plus strand): 5'-CTGGGTGGCAACGCGCTGGACCGCGTGGCGCGCGCCTGGTTCGCTGACCTGGCCGAGCTC[G>A]AGCTGCTCTACCTGGACCGCAACAGCATCGCCTTCGTGGAGGAGGGCGCCTTCCAGAACC-3'
Protein context (NP_001365406.2, residues 266-286): RAWFADLAEL[Glu276Lys]LLYLDRNSIA

ClinVar aggregate classification (germline): Uncertain significance (1 of 4 stars; one submission).

Submission:

Labcorp Genetics (formerly Invitae), Labcorp
Classification: Uncertain significance. Last evaluated: 2025-12-16. Review status: criteria provided, single submitter. Criteria: Invitae Variant Classification Sherloc (09022015). Collection method: clinical testing. Allele origin: germline.
Comment: This sequence change replaces glutamic acid, which is acidic and polar, with lysine, which is basic and polar, at codon 281 of the NYX protein (p.Glu281Lys). This variant is not present in population databases (gnomAD no frequency). This variant has not been reported in the literature in individuals affected with NYX-related conditions. Invitae Evidence Modeling of protein sequence and biophysical properties (such as structural, functional, and spatial information, amino acid conservation, physicochemical variation, residue mobility, and thermodynamic stability) indicates that this missense variant is not expected to disrupt NYX protein function with a negative predictive value of 80%. In summary, the available evidence is currently insufficient to determine the role of this variant in disease. Therefore, it has been classified as a Variant of Uncertain Significance.